The following is an entry in ClinVar:

ClinVar aggregate classification (germline): Uncertain significance. Review status: criteria provided, single submitter (1 of 4 stars). 2 submissions from 2 submitters: Uncertain significance (1). 1 of the submissions does not count toward it. Last evaluated 2022-10-27.

Conditions:
ZNF407-related disorder. Also called: ZNF407-related condition.

Allele frequency attached by ClinVar (database versions not stated): TOPMed 0.00012; gnomAD 0.00013; 1000 Genomes Project 30x 0.00016; ESP Exome Variant Server 0.00017; 1000 Genomes Project 0.00020; gnomAD exomes 0.00027; ExAC 0.00036.
gnomAD v4.1: 405 of 1,613,470 alleles (0.025%); highest among the groups gnomAD compares: Non-Finnish European, 0.033%; no homozygotes.

Submissions (2):

Ambry Genetics
Classification: Uncertain significance. Last evaluated: 2022-10-27. Review status: criteria provided, single submitter. Criteria: Ambry Variant Classification Scheme 2023. Collection method: clinical testing. Allele origin: germline.

PreventionGenetics, part of Exact Sciences
Classification: Uncertain significance for ZNF407-related condition. Last evaluated: 2024-06-26. Review status: no assertion criteria provided. Collection method: clinical testing. Allele origin: germline. Not counted in ClinVar's aggregate classification.
Comment: The ZNF407 c.1939A>G variant is predicted to result in the amino acid substitution p.Lys647Glu. To our knowledge, this variant has not been reported in the literature. This variant is reported in 0.051% of alleles in individuals of European (Non-Finnish) descent in gnomAD. At this time, the clinical significance of this variant is uncertain due to the absence of conclusive functional and genetic evidence.

NM_017757.3(ZNF407):c.1939A>G (p.Lys647Glu)

Gene: ZNF407 (zinc finger protein 407; plus strand). Cytogenetic location: 18q22.3.
Variant type: single nucleotide variant.
Coding change: c.1939A>G on transcript NM_017757.3 (MANE Select); coding-DNA position 1939, A replaced by G.
Protein change: p.Lys647Glu; replaces lysine 647 with glutamic acid.
Molecular consequence: missense variant.
Genome position (GRCh38, 1-based): chr18:74,632,958, A>G. VCF-style: chr18-74632958-A-G. GRCh37 (hg19) VCF-style: chr18-72344914-A-G.
Other names: c.1939A>G, p.Lys647Glu (NM_001146189.1, NM_001146190.1, NM_001384475.1); short protein forms K647E.
Identifiers: ClinVar variation 2274988 (VCV002274988.3), dbSNP rs191782884, ClinGen allele CA9000450.